The following is an entry in ClinVar:

NM_182919.4(TICAM1):c.1054A>C (p.Thr352Pro)

Gene: TICAM1 (TIR domain containing adaptor molecule 1; minus strand). Cytogenetic location: 19p13.3.
Variant type: single nucleotide variant.
Coding change: c.1054A>C on transcript NM_182919.4 (MANE Select); coding-DNA position 1054, A replaced by C.
Protein change: p.Thr352Pro; replaces threonine 352 with proline.
Molecular consequence: missense variant.
Genome position (GRCh38, 1-based): chr19:4,817,324, T>G on the plus strand (A>C on the coding strand, the complement: TICAM1 is on the minus strand). VCF-style: chr19-4817324-T-G. GRCh37 (hg19) VCF-style: chr19-4817336-T-G.
Other names: c.1012A>C, p.Thr338Pro (NM_001385678.1); c.919A>C, p.Thr307Pro (NM_001385679.1); c.412A>C, p.Thr138Pro (NM_001385680.1); short protein forms T352P, T138P, T307P, T338P.
Identifiers: ClinVar variation 640812 (VCV000640812.9), dbSNP rs772349684, ClinGen allele CA9105216.

ClinVar aggregate classification (germline): Uncertain significance (1 of 4 stars; one submission).

Conditions:
Encephalopathy, acute, infection-induced (herpes-specific), susceptibility to, 6. Also called: Herpes simplex encephalitis, susceptibility to, 4. Identifiers: Orphanet 1930, MedGen C3553869, MONDO:0013921, OMIM 614850.

Allele frequency attached by ClinVar (database versions not stated): gnomAD exomes 0.00001 and 0.00002; ExAC 0.00002.

Submission:

Labcorp Genetics (formerly Invitae), Labcorp
Classification: Uncertain significance for Encephalopathy, acute, infection-induced (herpes-specific), susceptibility to, 6. Last evaluated: 2018-07-09. Review status: criteria provided, single submitter. Criteria: Invitae Variant Classification Sherloc (09022015). Collection method: clinical testing. Allele origin: germline.
Comment: This variant has not been reported in the literature in individuals with TICAM1-related disease. This variant is present in population databases (rs772349684, ExAC 0.009%). This sequence change replaces threonine with proline at codon 352 of the TICAM1 protein (p.Thr352Pro). The threonine residue is weakly conserved and there is a small physicochemical difference between threonine and proline. Algorithms developed to predict the effect of missense changes on protein structure and function output the following: SIFT: "Tolerated"; PolyPhen-2: "Benign"; Align-GVGD: "Class C0". The proline amino acid residue is found in multiple mammalian species, suggesting that this missense change does not adversely affect protein function. These predictions have not been confirmed by published functional studies and their clinical significance is uncertain. In summary, the available evidence is currently insufficient to determine the role of this variant in disease. Therefore, it has been classified as a Variant of Uncertain Significance.